The following is an entry in ClinVar:

NM_025099.6(CTC1):c.2996dup (p.Pro999_Glu1000insTer)

Gene: CTC1 (CST telomere replication complex component 1; minus strand). Cytogenetic location: 17p13.1.
Variant type: Duplication.
Coding change: c.2996dup on transcript NM_025099.6 (MANE Select); coding-DNA position 2996, one base duplicated (C; older notation c.2996dupC).
Protein change: p.Pro999_Glu1000insTer.
Molecular consequence: frameshift variant. On other transcripts: non-coding transcript variant (1).
Genome position (GRCh38, 1-based): chr17:8,229,906, G duplicated on the plus strand (C on the coding strand, the reverse complement: CTC1 is on the minus strand); the first of 5 consecutive G bases (chr17:8,229,906-8,229,910); duplicating any one gives the same sequence. VCF-style (leftmost placement, unchanged base first): chr17-8229905-A-AG. GRCh37 (hg19) VCF-style: chr17-8133223-A-AG.
Identifiers: ClinVar variation 562199 (VCV000562199.6), dbSNP rs1567599993, ClinGen allele CA645569845.
Genomic context (GRCh38, chr17:8,229,905, plus strand): 5'-CAGATGTGAAGCCAGGAAGTTTAGGGGTTGGGGTCTGGGCACTGACCTGATGGTGGTCTC[A>AG]GGGGGAAAACTCAGGACCTGCACATAAGTGGATGACCGGAAACAACAATAAACATTGTGA-3'

ClinVar aggregate classification (germline): Pathogenic/Likely pathogenic. Review status: criteria provided, multiple submitters, no conflicts (2 of 4 stars). 2 submissions from 2 submitters: Pathogenic (1); Likely pathogenic (1). Last evaluated 2025-06-15.

Conditions:
Cerebroretinal microangiopathy with calcifications and cysts 1 (CRMCC1). Identifiers: Orphanet 313838, MedGen C4552029, MONDO:0024564, OMIM 612199.
Dyskeratosis congenita. Identifiers: Orphanet 1775, MedGen C0265965, MONDO:0015780.

Submissions (2):

Labcorp Genetics (formerly Invitae), Labcorp
Classification: Pathogenic for Dyskeratosis congenita. Last evaluated: 2025-06-15. Review status: criteria provided, single submitter. Criteria: Invitae Variant Classification Sherloc (09022015). Collection method: clinical testing. Allele origin: germline.
Comment: This sequence change creates a premature translational stop signal (p.Glu1000*) in the CTC1 gene. It is expected to result in an absent or disrupted protein product. Loss-of-function variants in CTC1 are known to be pathogenic (PMID: 22267198, 22387016). This variant is not present in population databases (gnomAD no frequency). This variant has not been reported in the literature in individuals affected with CTC1-related conditions. ClinVar contains an entry for this variant (Variation ID: 562199). For these reasons, this variant has been classified as Pathogenic.

Mayo Clinic Laboratories, Mayo Clinic
Classification: Likely pathogenic for Cerebroretinal microangiopathy with calcifications and cysts 1. Last evaluated: 2018-04-09. Review status: criteria provided, single submitter. Criteria: ACMG Guidelines, 2015. Collection method: clinical testing. Allele origin: maternal.

Literature cited by the submitters: PubMed 22267198 (cited by Labcorp Genetics (formerly Invitae), Labcorp); PubMed 22387016 (cited by Labcorp Genetics (formerly Invitae), Labcorp).